The following is an entry in ClinVar:

ClinVar aggregate classification (germline): Likely benign (0 of 4 stars; one submission).

Conditions:
DYRK1B-related disorder. Also called: DYRK1B-related condition.

Allele frequency attached by ClinVar (database versions not stated): TOPMed 0.00002; gnomAD 0.00011; gnomAD exomes 0.00019; ExAC 0.00036; 1000 Genomes Project 30x 0.00047; 1000 Genomes Project 0.00060.

Submission:

PreventionGenetics, part of Exact Sciences
Classification: Likely benign for DYRK1B-related condition. Last evaluated: 2019-04-12. Review status: no assertion criteria provided. Collection method: clinical testing. Allele origin: germline.
Comment: This variant is classified as likely benign based on ACMG/AMP sequence variant interpretation guidelines (Richards et al. 2015 PMID: 25741868, with internal and published modifications).

NM_004714.3(DYRK1B):c.654G>A (p.Ala218=)

Gene: DYRK1B (dual specificity tyrosine phosphorylation regulated kinase 1B; minus strand). Cytogenetic location: 19q13.2.
Variant type: single nucleotide variant.
Coding change: c.654G>A on transcript NM_004714.3 (MANE Select); coding-DNA position 654, G replaced by A.
Protein change: p.Ala218=; no amino-acid change (alanine 218 retained).
Molecular consequence: synonymous variant.
Genome position (GRCh38, 1-based): chr19:39,828,450, C>T on the plus strand (G>A on the coding strand, the complement: DYRK1B is on the minus strand). VCF-style: chr19-39828450-C-T. GRCh37 (hg19) VCF-style: chr19-40319090-C-T.
Other names: c.654G>A, p.Ala218= (NM_006483.3, NM_006484.3).
Identifiers: ClinVar variation 3046384 (VCV003046384.2), dbSNP rs538308215, ClinGen allele CA9434240.